The following is an entry in ClinVar:

NM_001040142.2(SCN2A):c.1034G>T (p.Gly345Val)

Gene: SCN2A (sodium voltage-gated channel alpha subunit 2; plus strand). Cytogenetic location: 2q24.3.
Variant type: single nucleotide variant.
Coding change: c.1034G>T on transcript NM_001040142.2 (MANE Select); coding-DNA position 1034, G replaced by T.
Protein change: p.Gly345Val; replaces glycine 345 with valine.
Molecular consequence: missense variant.
Genome position (GRCh38, 1-based): chr2:165,312,088, G>T. VCF-style: chr2-165312088-G-T. GRCh37 (hg19) VCF-style: chr2-166168598-G-T.
Other names: c.1034G>T, p.Gly345Val (NM_001040143.2, NM_001371246.1, NM_001371247.1 and 1 more transcripts); short protein forms G345V.
Identifiers: ClinVar variation 2133749 (VCV002133749.4), dbSNP rs2467895592, ClinGen allele CA349019922.
Genomic context (GRCh38, chr2:165,312,088, plus strand): 5'-ACTTTTATTTTTTAGAGGGGCAAAATGATGCTCTGCTTTGTGGCAACAGCTCAGATGCAG[G>T]GTAAGTGATGCTTCCTACTGAGTTTCAGTCCACACTGCTCCATCAGTGTCAATAACCTGC-3'
Protein context (NP_001035232.1, residues 335-355): ALLCGNSSDA[Gly345Val]QCPEGYICVK

ClinVar aggregate classification (germline): Uncertain significance (1 of 4 stars; one submission).

Conditions:
Seizures, benign familial infantile, 3 (BFIS3). Also called: Familial neonatal seizures; CONVULSIONS, BENIGN FAMILIAL INFANTILE, 3. Identifiers: Orphanet 140927, Orphanet 306, MedGen C1843140, MONDO:0011904, OMIM 607745.
Developmental and epileptic encephalopathy, 11 (DEE11). Also called: Early infantile epileptic encephalopathy 11. Identifiers: Orphanet 1934, MedGen C3150987, MONDO:0013388, OMIM 613721.

Submission:

Labcorp Genetics (formerly Invitae), Labcorp
Classification: Uncertain significance for Seizures, benign familial infantile, 3; Developmental and epileptic encephalopathy, 11. Last evaluated: 2022-05-04. Review status: criteria provided, single submitter. Criteria: Invitae Variant Classification Sherloc (09022015). Collection method: clinical testing. Allele origin: germline.
Comment: Variants that disrupt the consensus splice site are a relatively common cause of aberrant splicing (PMID: 17576681, 9536098). In summary, the available evidence is currently insufficient to determine the role of this variant in disease. Therefore, it has been classified as a Variant of Uncertain Significance. Algorithms developed to predict the effect of missense changes on protein structure and function are either unavailable or do not agree on the potential impact of this missense change (SIFT: "Deleterious"; PolyPhen-2: "Probably Damaging"; Align-GVGD: "Class C0"). This variant has not been reported in the literature in individuals affected with SCN2A-related conditions. This variant is not present in population databases (gnomAD no frequency). This sequence change replaces glycine, which is neutral and non-polar, with valine, which is neutral and non-polar, at codon 345 of the SCN2A protein (p.Gly345Val). This variant also falls at the last nucleotide of exon 8, which is part of the consensus splice site for this exon.

Literature cited by the submitters: PubMed 17576681; PubMed 9536098.